The following is an entry in ClinVar:

NM_013275.6(ANKRD11):c.5990C>G (p.Ala1997Gly)

Gene: ANKRD11 (ankyrin repeat domain 11; minus strand). Cytogenetic location: 16q24.3.
Variant type: single nucleotide variant.
Coding change: c.5990C>G on transcript NM_013275.6 (MANE Select); coding-DNA position 5990, C replaced by G.
Protein change: p.Ala1997Gly; replaces alanine 1997 with glycine.
Molecular consequence: missense variant.
Genome position (GRCh38, 1-based): chr16:89,280,552, G>C on the plus strand (C>G on the coding strand, the complement: ANKRD11 is on the minus strand). VCF-style: chr16-89280552-G-C. GRCh37 (hg19) VCF-style: chr16-89346960-G-C.
Other names: c.5990C>G, p.Ala1997Gly (NM_001256182.2, NM_001256183.2); short protein forms A1997G.
Identifiers: ClinVar variation 2672667 (VCV002672667.23), dbSNP rs370272709, ClinGen allele CA397152276.

ClinVar aggregate classification (germline): Uncertain significance (1 of 4 stars; one submission).

Submission:

CeGaT Center for Human Genetics Tuebingen
Classification: Uncertain significance. Last evaluated: 2023-11-01. Review status: criteria provided, single submitter. Criteria: CeGaT Center For Human Genetics Tuebingen Variant Classification Criteria Version 2. Collection method: clinical testing. Allele origin: germline. Affected: yes. Observed: 1 variant allele.
Comment: ANKRD11: PM2, BP1, BP4